The following is an entry in ClinVar:

NM_000744.7(CHRNA4):c.922G>T (p.Glu308Ter)

Gene: CHRNA4 (cholinergic receptor nicotinic alpha 4 subunit; minus strand). Cytogenetic location: 20q13.33.
Variant type: single nucleotide variant.
Coding change: c.922G>T on transcript NM_000744.7 (MANE Select); coding-DNA position 922, G replaced by T.
Protein change: p.Glu308Ter; replaces glutamic acid 308 with a stop codon.
Molecular consequence: nonsense. On other transcripts: non-coding transcript variant (1).
Genome position (GRCh38, 1-based): chr20:63,350,489, C>A on the plus strand (G>T on the coding strand, the complement: CHRNA4 is on the minus strand). VCF-style: chr20-63350489-C-A. GRCh37 (hg19) VCF-style: chr20-61981841-C-A.
Other names: c.394G>T, p.Glu132Ter (NM_001256573.2); short protein forms E132*, E308*.
Identifiers: ClinVar variation 1363894 (VCV001363894.6), dbSNP rs1369167310, ClinGen allele CA409636168.
Genomic context (GRCh38, chr20:63,350,489, plus strand): 5'-GCACGAAGACCGTGATGACGATGGACAGGGTGACGAAGATCATGGTGAACAGCAGGTACT[C>A]GCCGATGAGTGGGATGACCAGTGAGGTGGACGGGATGATCTCGGTGATGAGCAGCAGGAA-3'

ClinVar aggregate classification (germline): Uncertain significance (1 of 4 stars; one submission).

Conditions:
Familial sleep-related hypermotor epilepsy. Also called: Autosomal Dominant Sleep-Related Hypermotor (Hyperkinetic) Epilepsy. Identifiers: Orphanet 98784, MedGen C3696898, MONDO:0000030.

gnomAD v4.1: 2 of 1,613,630 alleles (0.00012%); highest among the groups gnomAD compares: East Asian, 0.0022%; no homozygotes.

Submission:

Labcorp Genetics (formerly Invitae), Labcorp
Classification: Uncertain significance. Last evaluated: 2025-12-01. Review status: criteria provided, single submitter. Criteria: Invitae Variant Classification Sherloc (09022015). Collection method: clinical testing. Allele origin: germline.
Comment: This sequence change creates a premature translational stop signal (p.Glu308*) in the CHRNA4 gene. It is expected to result in an absent or disrupted protein product. However, the current clinical and genetic evidence is not sufficient to establish whether loss-of-function variants in CHRNA4 cause disease. This variant is present in population databases (no rsID available, gnomAD 0.006%). This variant has not been reported in the literature in individuals affected with CHRNA4-related conditions. ClinVar contains an entry for this variant (Variation ID: 1363894). In summary, the available evidence is currently insufficient to determine the role of this variant in disease. Therefore, it has been classified as a Variant of Uncertain Significance.